The following is an entry in ClinVar:

NM_000426.4(LAMA2):c.8855C>G (p.Ala2952Gly)

Gene: LAMA2 (laminin subunit alpha 2; plus strand). Cytogenetic location: 6q22.33.
Variant type: single nucleotide variant.
Coding change: c.8855C>G on transcript NM_000426.4 (MANE Select); coding-DNA position 8855, C replaced by G.
Protein change: p.Ala2952Gly; replaces alanine 2952 with glycine.
Molecular consequence: missense variant.
Genome position (GRCh38, 1-based): chr6:129,507,640, C>G. VCF-style: chr6-129507640-C-G. GRCh37 (hg19) VCF-style: chr6-129828785-C-G.
Other names: c.8843C>G, p.Ala2948Gly (NM_001079823.2); short protein forms A2948G, A2952G.
Identifiers: ClinVar variation 2470370 (VCV002470370.5), dbSNP rs2533563737, ClinGen allele CA365635761.

ClinVar aggregate classification (germline): Uncertain significance. Review status: criteria provided, multiple submitters, no conflicts (2 of 4 stars). 2 submissions from 2 submitters: Uncertain significance (2). Last evaluated 2023-10-28.

Conditions:
Inborn genetic diseases. Identifiers: MedGen C0950123, MeSH D030342.
LAMA2-related muscular dystrophy (LAMA2-RD). Also called: Laminin alpha 2-related dystrophy. Identifiers: MedGen C5679788, MONDO:0100228.

Submissions (2):

Labcorp Genetics (formerly Invitae), Labcorp
Classification: Uncertain significance for LAMA2-related muscular dystrophy. Last evaluated: 2023-10-28. Review status: criteria provided, single submitter. Criteria: Invitae Variant Classification Sherloc (09022015). Collection method: clinical testing. Allele origin: germline.
Comment: This sequence change replaces alanine, which is neutral and non-polar, with glycine, which is neutral and non-polar, at codon 2952 of the LAMA2 protein (p.Ala2952Gly). This variant is not present in population databases (gnomAD no frequency). This variant has not been reported in the literature in individuals affected with LAMA2-related conditions. ClinVar contains an entry for this variant (Variation ID: 2470370). An algorithm developed to predict the effect of missense changes on protein structure and function (PolyPhen-2) suggests that this variant is likely to be disruptive. In summary, the available evidence is currently insufficient to determine the role of this variant in disease. Therefore, it has been classified as a Variant of Uncertain Significance.

Ambry Genetics
Classification: Uncertain significance for Inborn genetic diseases. Last evaluated: 2023-02-15. Review status: criteria provided, single submitter. Criteria: Ambry Variant Classification Scheme 2023. Collection method: clinical testing. Allele origin: germline.